The following is an entry in ClinVar:

ClinVar aggregate classification (germline): Uncertain significance. Review status: criteria provided, single submitter (1 of 4 stars). 2 submissions from 2 submitters: Uncertain significance (1). 1 of the submissions does not count toward it. Last evaluated 2025-05-07.

Conditions:
PKD1L1-related disorder. Also called: PKD1L1-related condition.
Inborn genetic diseases. Identifiers: MedGen C0950123, MeSH D030342.

Allele frequency attached by ClinVar (database versions not stated): ESP Exome Variant Server 0.00008.
gnomAD v4.1: 84 of 1,613,568 alleles (0.0052%); highest among the groups gnomAD compares: Non-Finnish European, 0.0034%; no homozygotes.

Submissions (2):

Ambry Genetics
Classification: Uncertain significance for Inborn genetic diseases. Last evaluated: 2025-05-07. Review status: criteria provided, single submitter. Criteria: Ambry Variant Classification Scheme 2023. Collection method: clinical testing. Allele origin: germline.

PreventionGenetics, part of Exact Sciences
Classification: Uncertain significance for PKD1L1-related condition. Last evaluated: 2024-07-23. Review status: no assertion criteria provided. Collection method: clinical testing. Allele origin: germline. Not counted in ClinVar's aggregate classification.
Comment: The PKD1L1 c.4337T>A variant is predicted to result in the amino acid substitution p.Ile1446Asn. To our knowledge, this variant has not been reported in the literature. This variant is reported in 0.12% of alleles in individuals of Ashkenazi Jewish descent in gnomAD. Although we suspect that this variant may be benign, at this time, the clinical significance of this variant is uncertain due to the absence of conclusive functional and genetic evidence.

NM_138295.5(PKD1L1):c.4337T>A (p.Ile1446Asn)

Gene: PKD1L1 (polycystin 1 like 1, transient receptor potential channel interacting; minus strand). Cytogenetic location: 7p12.3.
Variant type: single nucleotide variant.
Coding change: c.4337T>A on transcript NM_138295.5 (MANE Select); coding-DNA position 4337, T replaced by A.
Protein change: p.Ile1446Asn; replaces isoleucine 1446 with asparagine.
Molecular consequence: missense variant.
Genome position (GRCh38, 1-based): chr7:47,858,698, A>T on the plus strand (T>A on the coding strand, the complement: PKD1L1 is on the minus strand). VCF-style: chr7-47858698-A-T. GRCh37 (hg19) VCF-style: chr7-47898296-A-T.
Other names: short protein forms I1446N.
Identifiers: ClinVar variation 2378986 (VCV002378986.5), dbSNP rs139117336, ClinGen allele CA4253147.